The following is an entry in ClinVar:

NM_000138.5(FBN1):c.6821G>A (p.Cys2274Tyr)

Gene: FBN1 (fibrillin 1; minus strand). Cytogenetic location: 15q21.1.
Variant type: single nucleotide variant.
Coding change: c.6821G>A on transcript NM_000138.5 (MANE Select); coding-DNA position 6821, G replaced by A.
Protein change: p.Cys2274Tyr; replaces cysteine 2274 with tyrosine.
Molecular consequence: missense variant.
Genome position (GRCh38, 1-based): chr15:48,430,721, C>T on the plus strand (G>A on the coding strand, the complement: FBN1 is on the minus strand). VCF-style: chr15-48430721-C-T. GRCh37 (hg19) VCF-style: chr15-48722918-C-T.
Other names: NP_000129.3:p.Cys2274Tyr; c.6821G>A, p.Cys2274Tyr (NM_001406716.1); short protein forms C2274Y.
Identifiers: ClinVar variation 4871867 (VCV004871867.3).

ClinVar aggregate classification (germline): Likely pathogenic. Review status: criteria provided, multiple submitters, no conflicts (2 of 4 stars). 2 submissions from 2 submitters: Likely pathogenic (2). Last evaluated 2026-07-16.

Conditions:
Marfan syndrome (MFS). Also called: FBN1-Related Marfan Syndrome; MARFAN SYNDROME, TYPE I; Marfan syndrome type 1; Marfan's syndrome; Marfan syndrome, classic. Identifiers: Orphanet 284963, Orphanet 558, MedGen C0024796, MONDO:0007947, OMIM 154700.

Submissions (2):

Research Center of Medical Experimental Technology, The Third Xiangya Hospital of Central South University
Classification: Likely pathogenic for Marfan syndrome. Last evaluated: 2026-07-16. Review status: criteria provided, single submitter. Criteria: Drackley et al. (Genome Med. 2024). Collection method: clinical testing. Allele origin: germline. Affected: yes.
Comment: The c.6821G>A (p.Cys2274Tyr) variant, located in exon 56 of the FBN1 gene, results from a G to A substitution at position c.6821, resulting in the cysteine (Cys) at amino acid position 2274 being replaced by the tyrosine (Tyr). This variant has not been reported in the literature or in population databases (no frequency in gnomAD v2.1.1). This missense variant affects a conserved cysteine residue in a calcium-binding EGF domain, which is essential for protein structure through the formation of disulfide bonds. The constraint z-score for FBN1 missense variants is 5.06 in gnomAD (v2.1.1). In silico prediction tools suggest that this variant impacts the protein structure and function (REVEL: 0.962). Based on the available data, this variant is classified as Likely pathogenic.

Dasa
Classification: Likely pathogenic. Last evaluated: 2025-06-02. Review status: criteria provided, single submitter. Criteria: DASA Assertion Criteria. Collection method: clinical testing. Allele origin: germline.
Comment: NM_000138.5(FBN1):c.6821G>A (p.Cys2274Tyr) is a missense variant that results in the substitution of cysteine with tyrosine. The affected residue or protein region has prior evidence supporting clinical relevance. This variant is absent from population databases. Computational evidence supports a deleterious effect. Based on the currently available evidence, this variant is classified as likely pathogenic.